The following is an entry in ClinVar:

ClinVar aggregate classification (germline): Benign. Review status: criteria provided, multiple submitters, no conflicts (2 of 4 stars). 3 submissions from 3 submitters: Benign (2). 1 of the submissions does not count toward it. Last evaluated 2026-01-26.

Conditions:
IGSF10-related disorder. Also called: IGSF10-related condition.

Allele frequency attached by ClinVar (database versions not stated): ESP Exome Variant Server 0.00062; TOPMed 0.00405; ExAC 0.00579; gnomAD exomes 0.00213 and 0.00618; gnomAD 0.00265 and 0.00339; 1000 Genomes Project 0.01338; 1000 Genomes Project 30x 0.01234.
gnomAD v4.1: 3,778 of 1,614,254 alleles (0.23%); highest among the groups gnomAD compares: East Asian, 5.4%; 72 homozygotes.

Submissions (3):

Labcorp Genetics (formerly Invitae), Labcorp
Classification: Benign. Last evaluated: 2026-01-26. Review status: criteria provided, single submitter. Criteria: Invitae Variant Classification Sherloc (09022015). Collection method: clinical testing. Allele origin: germline.

Breakthrough Genomics
Classification: Benign. Review status: criteria provided, single submitter. Criteria: ACMG Guidelines, 2015. Collection method: not provided. Allele origin: germline. Inheritance: Unknown mechanism. Affected: yes.

PreventionGenetics, part of Exact Sciences
Classification: Benign for IGSF10-related condition. Last evaluated: 2019-02-28. Review status: no assertion criteria provided. Collection method: clinical testing. Allele origin: germline. Not counted in ClinVar's aggregate classification.
Comment: This variant is classified as benign based on ACMG/AMP sequence variant interpretation guidelines (Richards et al. 2015 PMID: 25741868, with internal and published modifications).

NM_178822.5(IGSF10):c.5307A>G (p.Ala1769=)

Gene: IGSF10 (immunoglobulin superfamily member 10; minus strand). Cytogenetic location: 3q25.1.
Variant type: single nucleotide variant.
Coding change: c.5307A>G on transcript NM_178822.5 (MANE Select); coding-DNA position 5307, A replaced by G.
Protein change: p.Ala1769=; no amino-acid change (alanine 1769 retained).
Molecular consequence: synonymous variant.
Genome position (GRCh38, 1-based): chr3:151,443,640, T>C on the plus strand (A>G on the coding strand, the complement: IGSF10 is on the minus strand). VCF-style: chr3-151443640-T-C. GRCh37 (hg19) VCF-style: chr3-151161428-T-C.
Other names: c.5307A>G, p.Ala1769= (NM_001385060.1, NM_001385061.1, NM_001385062.1 and 1 more transcripts).
Identifiers: ClinVar variation 769616 (VCV000769616.13), dbSNP rs77247199, ClinGen allele CA2669762.
Genomic context (GRCh38, chr3:151,443,640, plus strand): 5'-TTCTGAGACAACTGTTTGGTTTGCAAGAATCCAGGTAACTGTAGGGCTTGGCCTACCTTC[T>C]GCTCTGCACTTCAGTTCCACAGTGCTTCCGGAATGAACTGTGATCTCTTTGGTACGTCTC-3'
Protein context (NP_849144.2, residues 1759-1779): SGSTVELKCR[Ala1769=]EGRPSPTVTW